The following is an entry in ClinVar:

ClinVar aggregate classification (germline): Uncertain significance (1 of 4 stars; one submission).

Conditions:
KMT2B-related disorder. Also called: KMT2B-related disorders; KMT2B-related condition. Identifiers: MedGen CN381338.

Submission:

PreventionGenetics, part of Exact Sciences
Classification: Uncertain significance for KMT2B-related condition. Last evaluated: 2025-04-07. Review status: criteria provided, single submitter. Criteria: ACMG Guidelines, 2015. Collection method: clinical testing. Allele origin: germline.
Comment: The KMT2B c.3862G>A variant is predicted to result in the amino acid substitution p.Ala1288Thr. To our knowledge, this variant has not been reported in the literature or in a large population database (gnomAD), indicating this variant is rare. At this time, the clinical significance of this variant is uncertain due to the absence of conclusive functional and genetic evidence.

NM_014727.3(KMT2B):c.3862G>A (p.Ala1288Thr)

Gene: KMT2B (lysine methyltransferase 2B; plus strand). Cytogenetic location: 19q13.12.
Variant type: single nucleotide variant.
Coding change: c.3862G>A on transcript NM_014727.3 (MANE Select); coding-DNA position 3862, G replaced by A.
Protein change: p.Ala1288Thr; replaces alanine 1288 with threonine.
Molecular consequence: missense variant.
Genome position (GRCh38, 1-based): chr19:35,725,795, G>A. VCF-style: chr19-35725795-G-A. GRCh37 (hg19) VCF-style: chr19-36216696-G-A.
Other names: short protein forms A1288T.
Identifiers: ClinVar variation 4997012 (VCV004997012.1).